The following is an entry in ClinVar:

NM_001365536.1(SCN9A):c.5312C>T (p.Thr1771Ile)

Genes: SCN1A-AS1 (SCN1A and SCN9A antisense RNA 1; plus strand), SCN9A (sodium voltage-gated channel alpha subunit 9; minus strand). Cytogenetic location: 2q24.3.
Variant type: single nucleotide variant.
Coding change: c.5312C>T on transcript NM_001365536.1 (MANE Select); coding-DNA position 5312, C replaced by T.
Protein change: p.Thr1771Ile; replaces threonine 1771 with isoleucine.
Molecular consequence: missense variant.
Genome position (GRCh38, 1-based): chr2:166,199,327, G>A on the plus strand (C>T on the coding strand, the complement: SCN9A is on the minus strand). VCF-style: chr2-166199327-G-A. GRCh37 (hg19) VCF-style: chr2-167055837-G-A.
Other names: c.5279C>T, p.Thr1760Ile (NM_002977.4); short protein forms T1771I, T1760I.
Identifiers: ClinVar variation 2932861 (VCV002932861.4), dbSNP rs1693365329, ClinGen allele CA349053622.

ClinVar aggregate classification (germline): Uncertain significance. Review status: criteria provided, multiple submitters, no conflicts (2 of 4 stars). 2 submissions from 2 submitters: Uncertain significance (2). Last evaluated 2026-09-01.

Conditions:
Generalized epilepsy with febrile seizures plus, type 7 (GEFSP7). Also called: GEFS+, TYPE 7. Identifiers: Orphanet 36387, MedGen C2751778, MONDO:0013470, OMIM 613863.
Neuropathy, hereditary sensory and autonomic, type 2A (HSAN2A). Also called: ACROOSTEOLYSIS, GIACCAI TYPE; ACROOSTEOLYSIS, NEUROGENIC; MORVAN DISEASE; NEUROPATHY, CONGENITAL SENSORY; NEUROPATHY, HEREDITARY SENSORY RADICULAR, AUTOSOMAL RECESSIVE; NEUROPATHY, HEREDITARY SENSORY, TYPE IIA. Identifiers: Orphanet 970, MedGen C2752089, MONDO:0024309, OMIM 201300.

gnomAD v4.1: 2 of 1,614,150 alleles (0.00012%); highest among the groups gnomAD compares: East Asian, 0.0045%; no homozygotes.

Submissions (2):

CeGaT Center for Human Genetics Tuebingen
Classification: Uncertain significance. Last evaluated: 2026-09-01. Review status: criteria provided, single submitter. Criteria: CeGaT Center For Human Genetics Tuebingen Variant Classification Criteria Version 2. Collection method: clinical testing. Allele origin: germline. Affected: yes. Observed: 1 variant allele.
Comment: SCN9A: PM2

Labcorp Genetics (formerly Invitae), Labcorp
Classification: Uncertain significance for Neuropathy, hereditary sensory and autonomic, type 2A; Generalized epilepsy with febrile seizures plus, type 7. Last evaluated: 2023-02-01. Review status: criteria provided, single submitter. Criteria: Invitae Variant Classification Sherloc (09022015). Collection method: clinical testing. Allele origin: germline.
Comment: In summary, the available evidence is currently insufficient to determine the role of this variant in disease. Therefore, it has been classified as a Variant of Uncertain Significance. Advanced modeling of protein sequence and biophysical properties (such as structural, functional, and spatial information, amino acid conservation, physicochemical variation, residue mobility, and thermodynamic stability) performed at Invitae indicates that this missense variant is not expected to disrupt SCN9A protein function. This variant has not been reported in the literature in individuals affected with SCN9A-related conditions. This variant is not present in population databases (gnomAD no frequency). This sequence change replaces threonine, which is neutral and polar, with isoleucine, which is neutral and non-polar, at codon 1760 of the SCN9A protein (p.Thr1760Ile).